The following is an entry in ClinVar:

NM_001368809.2(AMPD2):c.104G>T (p.Gly35Val)

Gene: AMPD2 (adenosine monophosphate deaminase 2; plus strand). Cytogenetic location: 1p13.3.
Variant type: single nucleotide variant.
Coding change: c.104G>T on transcript NM_001368809.2 (MANE Select); coding-DNA position 104, G replaced by T.
Protein change: p.Gly35Val; replaces glycine 35 with valine.
Molecular consequence: missense variant. On other transcripts: 5 prime UTR variant (1), intron variant (1).
Genome position (GRCh38, 1-based): chr1:109,625,315, G>T. VCF-style: chr1-109625315-G-T. GRCh37 (hg19) VCF-style: chr1-110167937-G-T.
Other names: c.-89G>T (NM_001257361.2); c.104G>T, p.Gly35Val (NM_004037.9); c.23G>T, p.Gly8Val (NM_139156.4); c.160-347G>T (NM_001308170.1); short protein forms G35V, G8V.
Identifiers: ClinVar variation 1443654 (VCV001443654.8), dbSNP rs2101153100, ClinGen allele CA341552631.

ClinVar aggregate classification (germline): Uncertain significance (1 of 4 stars; one submission).

Conditions:
Hereditary spastic paraplegia 63. Also called: Spastic paraplegia 63, autosomal recessive. Identifiers: Orphanet 401805, MedGen C3810295, MONDO:0014305, OMIM 615686.
Pontocerebellar hypoplasia type 9. Identifiers: Orphanet 369920, MedGen C4014354, MONDO:0014351, OMIM 615809.

Submission:

Labcorp Genetics (formerly Invitae), Labcorp
Classification: Uncertain significance for Pontocerebellar hypoplasia type 9; Hereditary spastic paraplegia 63. Last evaluated: 2024-12-09. Review status: criteria provided, single submitter. Criteria: Invitae Variant Classification Sherloc (09022015). Collection method: clinical testing. Allele origin: germline.
Comment: This sequence change replaces glycine, which is neutral and non-polar, with valine, which is neutral and non-polar, at codon 89 of the AMPD2 protein (p.Gly89Val). This variant is not present in population databases (gnomAD no frequency). This variant has not been reported in the literature in individuals affected with AMPD2-related conditions. ClinVar contains an entry for this variant (Variation ID: 1443654). An algorithm developed to predict the effect of missense changes on protein structure and function (PolyPhen-2) suggests that this variant is likely to be tolerated. In summary, the available evidence is currently insufficient to determine the role of this variant in disease. Therefore, it has been classified as a Variant of Uncertain Significance.